The following is an entry in ClinVar:

ClinVar aggregate classification (germline): Likely benign (1 of 4 stars; one submission).

Allele frequency attached by ClinVar (database versions not stated): gnomAD exomes below 0.00001; TOPMed below 0.00001.
gnomAD v4.1: 2 of 1,614,280 alleles (0.00012%); highest among the groups gnomAD compares: Non-Finnish European, 0.00017%; no homozygotes.

Submission:

CeGaT Center for Human Genetics Tuebingen
Classification: Likely benign. Last evaluated: 2022-11-01. Review status: criteria provided, single submitter. Criteria: CeGaT Center For Human Genetics Tuebingen Variant Classification Criteria Version 2. Collection method: clinical testing. Allele origin: germline. Affected: yes. Observed: 1 variant allele.
Comment: DHX30: PM2:Supporting, BP4, BP7

NM_138615.3(DHX30):c.882G>A (p.Gly294=)

Gene: DHX30 (DExH-box helicase 30; plus strand). Cytogenetic location: 3p21.31.
Variant type: single nucleotide variant.
Coding change: c.882G>A on transcript NM_138615.3 (MANE Select); coding-DNA position 882, G replaced by A.
Protein change: p.Gly294=; no amino-acid change (glycine 294 retained).
Molecular consequence: synonymous variant.
Genome position (GRCh38, 1-based): chr3:47,843,198, G>A. VCF-style: chr3-47843198-G-A. GRCh37 (hg19) VCF-style: chr3-47884688-G-A.
Other names: c.798G>A, p.Gly266= (NM_001330990.2); c.765G>A, p.Gly255= (NM_014966.4).
Identifiers: ClinVar variation 1879580 (VCV001879580.29), dbSNP rs1442956780, ClinGen allele CA433514508.